The following is an entry in ClinVar:

NM_001130438.3(SPTAN1):c.1040G>T (p.Arg347Leu)

Gene: SPTAN1 (spectrin alpha, non-erythrocytic 1; plus strand). Cytogenetic location: 9q34.11.
Variant type: single nucleotide variant.
Coding change: c.1040G>T on transcript NM_001130438.3 (MANE Select); coding-DNA position 1040, G replaced by T.
Protein change: p.Arg347Leu; replaces arginine 347 with leucine.
Molecular consequence: missense variant.
Genome position (GRCh38, 1-based): chr9:128,577,461, G>T. VCF-style: chr9-128577461-G-T. GRCh37 (hg19) VCF-style: chr9-131339740-G-T.
Other names: c.1040G>T, p.Arg347Leu (NM_001195532.2, NM_001363759.2, NM_001363765.2 and 5 more transcripts); c.1076G>T, p.Arg359Leu (NM_001375312.2, NM_001375318.1); short protein forms R359L, R347L.
Identifiers: ClinVar variation 2753172 (VCV002753172.3), dbSNP rs796053314, ClinGen allele CA375049797.

ClinVar aggregate classification (germline): Uncertain significance (1 of 4 stars; one submission).

Conditions:
Early-infantile DEE. Also called: Ohtahara syndrome; Early infantile epileptic encephalopathy; Early infantile epileptic encephalopathy with suppression bursts. Identifiers: Orphanet 1934, MedGen C0393706, MONDO:0800491.

Allele frequency attached by ClinVar (database versions not stated): TOPMed 0.00001.

Submission:

Labcorp Genetics (formerly Invitae), Labcorp
Classification: Uncertain significance for Early-infantile DEE. Last evaluated: 2023-08-16. Review status: criteria provided, single submitter. Criteria: Invitae Variant Classification Sherloc (09022015). Collection method: clinical testing. Allele origin: germline.
Comment: In summary, the available evidence is currently insufficient to determine the role of this variant in disease. Therefore, it has been classified as a Variant of Uncertain Significance. Advanced modeling of protein sequence and biophysical properties (such as structural, functional, and spatial information, amino acid conservation, physicochemical variation, residue mobility, and thermodynamic stability) has been performed at Invitae for this missense variant, however the output from this modeling did not meet the statistical confidence thresholds required to predict the impact of this variant on SPTAN1 protein function. This variant has not been reported in the literature in individuals affected with SPTAN1-related conditions. This variant is not present in population databases (gnomAD no frequency). This sequence change replaces arginine, which is basic and polar, with leucine, which is neutral and non-polar, at codon 347 of the SPTAN1 protein (p.Arg347Leu).